The following is an entry in ClinVar:

ClinVar aggregate classification (germline): Uncertain significance (1 of 4 stars; one submission).

Conditions:
Familial adenomatous polyposis 1 (FAP1). Also called: FAMILIAL ADENOMATOUS POLYPOSIS 1, ATTENUATED; POLYPOSIS, ADENOMATOUS INTESTINAL. Identifiers: MedGen C2713442, MONDO:0021056, OMIM 175100. Disease mechanism: loss of function.

Submission:

Labcorp Genetics (formerly Invitae), Labcorp
Classification: Uncertain significance for Familial adenomatous polyposis 1. Last evaluated: 2022-11-22. Review status: criteria provided, single submitter. Criteria: Invitae Variant Classification Sherloc (09022015). Collection method: clinical testing. Allele origin: germline.
Comment: In summary, the available evidence is currently insufficient to determine the role of this variant in disease. Therefore, it has been classified as a Variant of Uncertain Significance. Experimental studies and prediction algorithms are not available or were not evaluated, and the functional significance of this variant is currently unknown. This variant has not been reported in the literature in individuals affected with APC-related conditions. This variant is not present in population databases (gnomAD no frequency). This variant occurs in a non-coding region of the APC gene. It does not change the encoded amino acid sequence of the APC protein.

NM_001127511.3(APC):c.-197A>T

Genes: APC (APC regulator of Wnt signaling pathway; plus strand), LOC129994371 (ATAC-STARR-seq lymphoblastoid active region 22910; plus strand). Cytogenetic location: 5q22.2.
Variant type: single nucleotide variant.
Coding change: c.-197A>T on transcript NM_001127511.3; 197 bases upstream of the start codon, A replaced by T.
Molecular consequence: 5 prime UTR variant. On other transcripts: non-coding transcript variant (2).
Genome position (GRCh38, 1-based): chr5:112,707,521, A>T. VCF-style: chr5-112707521-A-T. GRCh37 (hg19) VCF-style: chr5-112043218-A-T.
Other names: c.-380A>T (NM_001354895.2, NM_001407447.1, NM_001407452.1 and 3 more transcripts); c.-197A>T (NM_001354897.2, NM_001354902.2, NM_001407446.1); c.-147A>T (NM_001407448.1, NM_001407450.1, NM_001407457.1 and 1 more transcripts); c.-171A>T (NM_001407453.1); c.-1415A>T (NM_001407470.1, NM_001407472.1).
Identifiers: ClinVar variation 1027010 (VCV001027010.9), dbSNP rs1750570165, ClinGen allele CA1573442389.